The following is an entry in ClinVar:

ClinVar aggregate classification (germline): Conflicting classifications of pathogenicity. Review status: criteria provided, conflicting classifications (1 of 4 stars). 2 submissions from 2 submitters: Uncertain significance (1); Likely benign (1). Last evaluated 2023-04-03.

Conditions:
Inborn genetic diseases. Identifiers: MedGen C0950123, MeSH D030342.

Allele frequency attached by ClinVar (database versions not stated): gnomAD 0.00001; TOPMed 0.00001; gnomAD exomes 0.00003 and 0.00008.
gnomAD v4.1: 112 of 1,614,036 alleles (0.0069%); highest among the groups gnomAD compares: Non-Finnish European, 0.0092%; no homozygotes.

Submissions (2):

Ambry Genetics
Classification: Likely benign for Inborn genetic diseases. Last evaluated: 2023-04-03. Review status: criteria provided, single submitter. Criteria: Ambry Variant Classification Scheme 2023. Collection method: clinical testing. Allele origin: germline.

GeneDx
Classification: Uncertain significance. Last evaluated: 2019-05-01. Review status: criteria provided, single submitter. Criteria: GeneDx Variant Classification Process June 2021. Collection method: clinical testing. Allele origin: germline. Affected: yes.
Comment: Not observed at a significant frequency in large population cohorts (Lek et al., 2016); In silico analysis, which includes protein predictors and evolutionary conservation, supports that this variant does not alter protein structure/function; Has not been previously published as pathogenic or benign to our knowledge

NM_001080467.3(MYO5B):c.3271A>C (p.Ile1091Leu)

Gene: MYO5B (myosin VB; minus strand). Cytogenetic location: 18q21.1.
Variant type: single nucleotide variant.
Coding change: c.3271A>C on transcript NM_001080467.3 (MANE Select); coding-DNA position 3271, A replaced by C.
Protein change: p.Ile1091Leu; replaces isoleucine 1091 with leucine.
Molecular consequence: missense variant.
Genome position (GRCh38, 1-based): chr18:49,878,950, T>G on the plus strand (A>C on the coding strand, the complement: MYO5B is on the minus strand). VCF-style: chr18-49878950-T-G. GRCh37 (hg19) VCF-style: chr18-47405320-T-G.
Other names: short protein forms I1091L.
Identifiers: ClinVar variation 1304940 (VCV001304940.4), dbSNP rs777155836, ClinGen allele CA299977188.
Genomic context (GRCh38, chr18:49,878,950, plus strand): 5'-AGCTGGACAGGAGCCAGGGACCTGTGCCATGGCACAGCAGAAGCACCCCCCTTGCCTTTA[T>G]GATGGTCATTTCATCCCGAAGGTTGTCGTATCTCTGCTCCAACTGTGAATATTCCTTCAC-3'
Protein context (NP_001073936.1, residues 1081-1101): YDNLRDEMTI[Ile1091Leu]KQTPGHRRNP